The following is an entry in ClinVar:

ClinVar aggregate classification (germline): Benign. Review status: criteria provided, multiple submitters, no conflicts (2 of 4 stars). 3 submissions from 3 submitters: Benign (3). Last evaluated 2026-01-27.

Allele frequency attached by ClinVar (database versions not stated): gnomAD exomes 0.00266; ExAC 0.00325; gnomAD 0.01035 and 0.01113; 1000 Genomes Project 0.01078; 1000 Genomes Project 30x 0.01093; TOPMed 0.01164; ESP Exome Variant Server 0.01247.
gnomAD v4.1: 3,041 of 1,614,132 alleles (0.19%); highest among the groups gnomAD compares: African/African-American, 3.6%; 44 homozygotes.

Submissions (3):

Labcorp Genetics (formerly Invitae), Labcorp
Classification: Benign. Last evaluated: 2026-01-27. Review status: criteria provided, single submitter. Criteria: Invitae Variant Classification Sherloc (09022015). Collection method: clinical testing. Allele origin: germline.

Mayo Clinic Laboratories, Mayo Clinic
Classification: Benign. Last evaluated: 2024-09-19. Review status: criteria provided, single submitter. Criteria: ACMG Guidelines, 2015. Collection method: clinical testing. Allele origin: germline. Observed: 1 variant allele.
Comment: BS1, BS2, BP4, BP7

Breakthrough Genomics
Classification: Benign. Review status: criteria provided, single submitter. Criteria: ACMG Guidelines, 2015. Collection method: not provided. Allele origin: germline. Inheritance: Autosomal recessive inheritance. Affected: yes.

NM_015202.5(KATNIP):c.3015G>A (p.Pro1005=)

Gene: KATNIP (katanin interacting protein; plus strand). Cytogenetic location: 16p12.1.
Variant type: single nucleotide variant.
Coding change: c.3015G>A on transcript NM_015202.5 (MANE Select); coding-DNA position 3015, G replaced by A.
Protein change: p.Pro1005=; no amino-acid change (proline 1005 retained).
Molecular consequence: synonymous variant.
Genome position (GRCh38, 1-based): chr16:27,749,975, G>A. VCF-style: chr16-27749975-G-A. GRCh37 (hg19) VCF-style: chr16-27761296-G-A.
Other names: p.Pro1005=; c.3015G>A (NM_015202.4).
Identifiers: ClinVar variation 714689 (VCV000714689.12), dbSNP rs58619984, ClinGen allele CA7978126.
Genomic context (GRCh38, chr16:27,749,975, plus strand): 5'-GGGGGACAGACACTATGTCGGCCTCAACGGAATAGAAATATTCAGTTCCAAGGGTGAACC[G>A]GTGCAGATTTCAAACATAAAAGCAGACCCTCCCGATATCAATATTTTACCAGCCTATGGG-3'
Protein context (NP_056017.4, residues 995-1015): GIEIFSSKGE[Pro1005=]VQISNIKADP